The following is an entry in ClinVar:

ClinVar aggregate classification (germline): Uncertain significance (1 of 4 stars; one submission).

Conditions:
Landau-Kleffner syndrome (FESD). Also called: EPILEPSY, FOCAL, WITH SPEECH DISORDER AND WITH OR WITHOUT MENTAL RETARDATION; APHASIA, ACQUIRED, WITH EPILEPSY. Identifiers: Orphanet 1945, Orphanet 725, Orphanet 98818, MedGen C0282512, MONDO:0009509, OMIM 245570.

gnomAD v4.1: 1 of 1,614,116 alleles (0.000062%); highest among the groups gnomAD compares: South Asian, 0.0011%; no homozygotes.

Submission:

Labcorp Genetics (formerly Invitae), Labcorp
Classification: Uncertain significance for Landau-Kleffner syndrome. Last evaluated: 2022-10-21. Review status: criteria provided, single submitter. Criteria: Invitae Variant Classification Sherloc (09022015). Collection method: clinical testing. Allele origin: germline.
Comment: This sequence change replaces glutamic acid, which is acidic and polar, with glutamine, which is neutral and polar, at codon 1176 of the GRIN2A protein (p.Glu1176Gln). This variant is not present in population databases (gnomAD no frequency). In summary, the available evidence is currently insufficient to determine the role of this variant in disease. Therefore, it has been classified as a Variant of Uncertain Significance. Advanced modeling of protein sequence and biophysical properties (such as structural, functional, and spatial information, amino acid conservation, physicochemical variation, residue mobility, and thermodynamic stability) performed at Invitae indicates that this missense variant is not expected to disrupt GRIN2A protein function. This variant has not been reported in the literature in individuals affected with GRIN2A-related conditions.

NM_001134407.3(GRIN2A):c.3526G>C (p.Glu1176Gln)

Gene: GRIN2A (glutamate ionotropic receptor NMDA type subunit 2A; minus strand). Cytogenetic location: 16p13.2.
Variant type: single nucleotide variant.
Coding change: c.3526G>C on transcript NM_001134407.3 (MANE Select); coding-DNA position 3526, G replaced by C.
Protein change: p.Glu1176Gln; replaces glutamic acid 1176 with glutamine.
Molecular consequence: missense variant.
Genome position (GRCh38, 1-based): chr16:9,764,018, C>G on the plus strand (G>C on the coding strand, the complement: GRIN2A is on the minus strand). VCF-style: chr16-9764018-C-G. GRCh37 (hg19) VCF-style: chr16-9857875-C-G.
Other names: c.3526G>C, p.Glu1176Gln (NM_000833.5, NM_001134408.2); short protein forms E1176Q.
Identifiers: ClinVar variation 1718975 (VCV001718975.6), dbSNP rs1555482388, ClinGen allele CA394707430.